The following is an entry in ClinVar:

NM_001082486.2(ACD):c.485_486insGC (p.Asn163fs)

Gene: ACD (ACD shelterin complex subunit and telomerase recruitment factor; minus strand). Cytogenetic location: 16q22.1.
Variant type: Insertion.
Coding change: c.485_486insGC on transcript NM_001082486.2 (MANE Select); coding-DNA positions 485 to 486, GC inserted.
Protein change: p.Asn163fs; shifts the reading frame from asparagine 163.
Molecular consequence: frameshift variant.
Genome position: GRCh38 VCF-style: chr16-67659236-G-GGC. GRCh37 (hg19) VCF-style: chr16-67693139-G-GGC.
Other names: c.476_477insGC, p.Asn160fs (NM_022914.3); short protein forms N160fs, N163fs.
Identifiers: ClinVar variation 1489833 (VCV001489833.6), dbSNP rs2142972519, ClinGen allele CA2573152553.

ClinVar aggregate classification (germline): Uncertain significance (1 of 4 stars; one submission).

Conditions:
Dyskeratosis congenita, autosomal dominant 6 (DKCA6). Identifiers: Orphanet 3322, MedGen C4225284, MONDO:0014690, OMIM 616553.

Submission:

Labcorp Genetics (formerly Invitae), Labcorp
Classification: Uncertain significance for Dyskeratosis congenita, autosomal dominant 6. Last evaluated: 2021-11-19. Review status: criteria provided, single submitter. Criteria: Invitae Variant Classification Sherloc (09022015). Collection method: clinical testing. Allele origin: germline.
Comment: In summary, the available evidence is currently insufficient to determine the role of this variant in disease. Therefore, it has been classified as a Variant of Uncertain Significance. This variant has not been reported in the literature in individuals affected with ACD-related conditions. This variant is not present in population databases (gnomAD no frequency). This sequence change creates a premature translational stop signal (p.Asn249Profs*32) in the ACD gene. It is expected to result in an absent or disrupted protein product. However, the current clinical and genetic evidence is not sufficient to establish whether loss-of-function variants in ACD cause disease.